The following is an entry in ClinVar:

NM_001033855.3(DCLRE1C):c.465-2A>G

Gene: DCLRE1C (DNA cross-link repair 1C; minus strand). Cytogenetic location: 10p13.
Variant type: single nucleotide variant.
Coding change: c.465-2A>G on transcript NM_001033855.3 (MANE Select); the canonical splice acceptor site of the intron before coding-DNA position 465, A replaced by G.
Molecular consequence: splice acceptor variant.
Genome position (GRCh38, 1-based): chr10:14,934,777, T>C on the plus strand (A>G on the coding strand, the complement: DCLRE1C is on the minus strand). VCF-style: chr10-14934777-T-C. GRCh37 (hg19) VCF-style: chr10-14976776-T-C.
Other names: c.120-2A>G (NM_001350966.2, NM_001289078.2, NM_001289076.2 and 1 more transcripts); c.465-2A>G (NM_001350965.2, NM_001033855.2); c.105-2A>G (NM_001350967.2, NM_001289077.2, NM_001289079.2 and 2 more transcripts).
Identifiers: ClinVar variation 2827556 (VCV002827556.5), dbSNP rs1839625956, ClinGen allele CA376060018.
Genomic context (GRCh38, chr10:14,934,777, plus strand): 5'-GGTAAAATCTTGGATCACAGAACGTAGTATCCAAATATACACTTTGGATGTCTTTGACTC[T>C]GAAAAGAAAAAAAATTGATGTTAGCCATCCAATGTGATATAAATTATGTGTAACTTTTTT-3'

ClinVar aggregate classification (germline): Pathogenic/Likely pathogenic. Review status: criteria provided, multiple submitters, no conflicts (2 of 4 stars). 3 submissions from 3 submitters: Pathogenic (1); Likely pathogenic (2). Last evaluated 2026-04-01.

Conditions:
Severe combined immunodeficiency due to DCLRE1C deficiency (RS-SCID). Also called: SCID, AUTOSOMAL RECESSIVE, T CELL-NEGATIVE, B CELL-NEGATIVE, NK CELL-POSITIVE, WITH SENSITIVITY TO IONIZING RADIATION. Identifiers: Orphanet 275, MedGen C1865371, MONDO:0011225, OMIM 602450.
Athabaskan severe combined immunodeficiency (SCIDA). Also called: Severe combined immunodeficiency, athabascan-type. Identifiers: MedGen C1865370.
Primary immunodeficiency or monogenic inflammatory bowel disease.

Allele frequency attached by ClinVar (database versions not stated): TOPMed below 0.00001.

Submissions (3):

North West Genomic Laboratory Hub, Manchester University NHS Foundation Trust
Classification: Pathogenic for Primary immunodeficiency or monogenic inflammatory bowel disease. Last evaluated: 2026-04-01. Review status: criteria provided, single submitter. Criteria: ACGS Best Practice Guidelines for Variant Classification in Rare Disease 2024. Collection method: clinical testing. Allele origin: germline. Affected: yes.
Comment: PVS1_VStr PM2_Mod PS1_Supp

Natera, Inc.
Classification: Likely pathogenic for Athabascan severe combined immunodeficiency. Last evaluated: 2024-02-20. Review status: criteria provided, single submitter. Criteria: Natera Variant Classification Schema (03/2026). Collection method: clinical testing. Allele origin: germline.
Comment: The c.465-2A>G variant in DCLRE1C is a canonical splice acceptor site variant predicted to affect pre-mRNA splicing, which may result in an abnormal transcript and altered protein product. This variant is expected to result in nonsense mediated decay, truncation, or a dysfunctional protein product. This variant is rare in the general population with a frequency below the threshold expected for the associated phenotype(s). Given the available evidence, this variant is classified as Likely Pathogenic.

Labcorp Genetics (formerly Invitae), Labcorp
Classification: Likely pathogenic for Athabaskan severe combined immunodeficiency. Last evaluated: 2023-01-17. Review status: criteria provided, single submitter. Criteria: Invitae Variant Classification Sherloc (09022015). Collection method: clinical testing. Allele origin: germline.
Comment: In summary, the currently available evidence indicates that the variant is pathogenic, but additional data are needed to prove that conclusively. Therefore, this variant has been classified as Likely Pathogenic. Algorithms developed to predict the effect of sequence changes on RNA splicing suggest that this variant may disrupt the consensus splice site. This variant has not been reported in the literature in individuals affected with DCLRE1C-related conditions. This variant is not present in population databases (gnomAD no frequency). This sequence change affects an acceptor splice site in intron 6 of the DCLRE1C gene. It is expected to disrupt RNA splicing. Variants that disrupt the donor or acceptor splice site typically lead to a loss of protein function (PMID: 16199547), and loss-of-function variants in DCLRE1C are known to be pathogenic (PMID: 21664875, 26123418).

Literature cited by the submitters: PubMed 16199547 (cited by Labcorp Genetics (formerly Invitae), Labcorp); PubMed 21664875 (cited by Labcorp Genetics (formerly Invitae), Labcorp); PubMed 26123418 (cited by Labcorp Genetics (formerly Invitae), Labcorp).